The following is an entry in ClinVar:

NM_004064.5(CDKN1B):c.295_305del (p.Cys99fs)

Gene: CDKN1B (cyclin dependent kinase inhibitor 1B; plus strand). Cytogenetic location: 12p13.1.
Variant type: Deletion.
Coding change: c.295_305del on transcript NM_004064.5 (MANE Select); coding-DNA positions 295 to 305, 11 bases deleted (TGCAAGGTGCC).
Protein change: p.Cys99fs; shifts the reading frame from cysteine 99.
Molecular consequence: frameshift variant.
Genome position (GRCh38, 1-based): chr12:12,718,134-12,718,144, TGCAAGGTGCC deleted; deleting any 11 consecutive bases within chr12:12,718,126-12,718,144 gives the same sequence; the c. name uses the placement nearest the transcript's 3' end. VCF-style (leftmost placement, unchanged base first): chr12-12718125-AAAGGTGCCTGC-A. GRCh37 (hg19) VCF-style: chr12-12871059-AAAGGTGCCTGC-A.
Other names: c.295_305del11 (NM_004064.3); short protein forms C99fs.
Identifiers: ClinVar variation 3693674 (VCV003693674.3).
Genomic context (GRCh38, chr12:12,718,125, plus strand): 5'-TGGCAAGAGGTGGAGAAGGGCAGCTTGCCCGAGTTCTACTACAGACCCCCGCGGCCCCCC[AAAGGTGCCTGC>A]AAGGTGCCGGCGCAGGAGAGCCAGGATGTCAGCGGGAGCCGCCCGGCGGCGCCTTTAATT-3'

ClinVar aggregate classification (germline): Pathogenic. Review status: criteria provided, multiple submitters, no conflicts (2 of 4 stars). 2 submissions from 2 submitters: Pathogenic (2). Last evaluated 2025-06-18.

Conditions:
Hereditary cancer-predisposing syndrome. Also called: Tumor predisposition; Hereditary neoplastic syndrome; Hereditary Cancer Syndrome; Neoplastic Syndromes, Hereditary. Identifiers: Orphanet 140162, MedGen C0027672, MeSH D009386, MONDO:0015356.
Multiple endocrine neoplasia type 4. Also called: MULTIPLE ENDOCRINE NEOPLASIA, TYPE IV. Identifiers: Orphanet 276152, MedGen C1970712, MONDO:0012552, OMIM 610755.

Submissions (2):

Ambry Genetics
Classification: Pathogenic for Hereditary cancer-predisposing syndrome. Last evaluated: 2025-06-18. Review status: criteria provided, single submitter. Criteria: Ambry Variant Classification Scheme 2023. Collection method: clinical testing. Allele origin: germline.
Comment: The c.295_305del11 pathogenic mutation, located in coding exon 1 of the CDKN1B gene, results from a deletion of 11 nucleotides at nucleotide positions 295 to 305, causing a translational frameshift with a predicted alternate stop codon (p.C99Gfs*22). This variant is considered to be rare based on population cohorts in the Genome Aggregation Database (gnomAD). This alteration is expected to result in loss of function by premature protein truncation or nonsense-mediated mRNA decay. As such, this alteration is interpreted as a disease-causing mutation.

Labcorp Genetics (formerly Invitae), Labcorp
Classification: Pathogenic for Multiple endocrine neoplasia type 4. Last evaluated: 2024-08-13. Review status: criteria provided, single submitter. Criteria: Invitae Variant Classification Sherloc (09022015). Collection method: clinical testing. Allele origin: germline.
Comment: This sequence change creates a premature translational stop signal (p.Cys99Glyfs*22) in the CDKN1B gene. It is expected to result in an absent or disrupted protein product. Loss-of-function variants in CDKN1B are known to be pathogenic (PMID: 17030811, 24819502). This variant is not present in population databases (gnomAD no frequency). This variant has not been reported in the literature in individuals affected with CDKN1B-related conditions. For these reasons, this variant has been classified as Pathogenic.

Literature cited by the submitters: PubMed 17030811 (cited by Labcorp Genetics (formerly Invitae), Labcorp); PubMed 24819502 (cited by Labcorp Genetics (formerly Invitae), Labcorp).